The following is an entry in ClinVar:

NM_032590.5(KDM2B):c.3379G>A (p.Val1127Ile)

Gene: KDM2B (lysine demethylase 2B; minus strand). Cytogenetic location: 12q24.31.
Variant type: single nucleotide variant.
Coding change: c.3379G>A on transcript NM_032590.5 (MANE Select); coding-DNA position 3379, G replaced by A.
Protein change: p.Val1127Ile; replaces valine 1127 with isoleucine.
Molecular consequence: missense variant.
Genome position (GRCh38, 1-based): chr12:121,441,139, C>T on the plus strand (G>A on the coding strand, the complement: KDM2B is on the minus strand). VCF-style: chr12-121441139-C-T. GRCh37 (hg19) VCF-style: chr12-121878942-C-T.
Other names: c.3172G>A, p.Val1058Ile (NM_001005366.2); short protein forms V1058I, V1127I.
Identifiers: ClinVar variation 2643405 (VCV002643405.24), dbSNP rs1349703563, ClinGen allele CA386972427.

ClinVar aggregate classification (germline): Uncertain significance (1 of 4 stars; one submission).

Allele frequency attached by ClinVar (database versions not stated): gnomAD exomes 0.00002; TOPMed 0.00002; gnomAD 0.00003.
gnomAD v4.1: 31 of 1,614,106 alleles (0.0019%); highest among the groups gnomAD compares: Middle Eastern, 0.016%; no homozygotes.

Submission:

CeGaT Center for Human Genetics Tuebingen
Classification: Uncertain significance. Last evaluated: 2022-07-01. Review status: criteria provided, single submitter. Criteria: CeGaT Center For Human Genetics Tuebingen Variant Classification Criteria Version 2. Collection method: clinical testing. Allele origin: germline. Affected: yes. Observed: 1 variant allele.
Comment: KDM2B: PP2, BP4